The following is an entry in ClinVar:

ClinVar aggregate classification (germline): Likely benign. Review status: criteria provided, multiple submitters, no conflicts (2 of 4 stars). 2 submissions from 2 submitters: Likely benign (2). Last evaluated 2024-12-26.

Conditions:
Pyogenic arthritis-pyoderma gangrenosum-acne syndrome (PAPA). Also called: FAMILIAL RECURRENT ARTHRITIS; PAPA SYNDROME. Identifiers: Orphanet 69126, MedGen C1858361, MONDO:0011462, OMIM 604416.

gnomAD v4.1: 3 of 1,611,550 alleles (0.00019%); highest among the groups gnomAD compares: South Asian, 0.0033%; no homozygotes.

Submissions (2):

Labcorp Genetics (formerly Invitae), Labcorp
Classification: Likely benign for Pyogenic arthritis-pyoderma gangrenosum-acne syndrome. Last evaluated: 2024-12-26. Review status: criteria provided, single submitter. Criteria: Invitae Variant Classification Sherloc (09022015). Collection method: clinical testing. Allele origin: germline.

GeneDx
Classification: Likely benign. Last evaluated: 2017-05-08. Review status: criteria provided, single submitter. Criteria: GeneDx Variant Classification (06012015). Collection method: clinical testing. Allele origin: germline. Affected: yes.
Comment: This variant is considered likely benign or benign based on one or more of the following criteria: it is a conservative change, it occurs at a poorly conserved position in the protein, it is predicted to be benign by multiple in silico algorithms, and/or has population frequency not consistent with disease.

NM_003978.5(PSTPIP1):c.838+17G>C

Gene: PSTPIP1 (proline-serine-threonine phosphatase interacting protein 1; plus strand). Cytogenetic location: 15q24.3.
Variant type: single nucleotide variant.
Coding change: c.838+17G>C on transcript NM_003978.5 (MANE Select); 17 bases into the intron after coding-DNA position 838, G replaced by C.
Molecular consequence: intron variant. On other transcripts: synonymous variant (1).
Genome position (GRCh38, 1-based): chr15:77,032,411, G>C. VCF-style: chr15-77032411-G-C. GRCh37 (hg19) VCF-style: chr15-77324752-G-C.
Other names: c.838+17G>C (LRG_172t1); c.855G>C, p.Ala285= (NM_001321135.2); c.1033+17G>C (NM_001321137.1); c.811+17G>C (NM_001321136.2).
Identifiers: ClinVar variation 509472 (VCV000509472.3), dbSNP rs371715620, ClinGen allele CA658798408.